The following is an entry in ClinVar:

ClinVar aggregate classification (germline): Conflicting classifications of pathogenicity. Review status: criteria provided, conflicting classifications (1 of 4 stars). 4 submissions from 4 submitters: Uncertain significance (1); Benign (1); Likely benign (1). 1 of the submissions does not count toward it. Last evaluated 2026-04-22.

Conditions:
NBAS-related disorder. Also called: NBAS-related condition.
Monogenic short statue.

Submissions (4):

NHS Central & South Genomic Laboratory Hub
Classification: Uncertain significance for Monogenic short statue. Last evaluated: 2026-04-22. Review status: criteria provided, single submitter. Criteria: ACMG Guidelines, 2015. Collection method: clinical testing. Allele origin: germline. Affected: yes.

Labcorp Genetics (formerly Invitae), Labcorp
Classification: Benign. Last evaluated: 2026-01-21. Review status: criteria provided, single submitter. Criteria: Invitae Variant Classification Sherloc (09022015). Collection method: clinical testing. Allele origin: germline.

CeGaT Center for Human Genetics Tuebingen
Classification: Likely benign. Last evaluated: 2025-09-01. Review status: criteria provided, single submitter. Criteria: CeGaT Center For Human Genetics Tuebingen Variant Classification Criteria Version 2. Collection method: clinical testing. Allele origin: germline. Affected: yes. Observed: 1 variant allele.
Comment: NBAS: BS2

PreventionGenetics, part of Exact Sciences
Classification: Likely benign for NBAS-related condition. Last evaluated: 2024-04-04. Review status: no assertion criteria provided. Collection method: clinical testing. Allele origin: germline. Not counted in ClinVar's aggregate classification.
Comment: This variant is classified as likely benign based on ACMG/AMP sequence variant interpretation guidelines (Richards et al. 2015 PMID: 25741868, with internal and published modifications).

NM_015909.4(NBAS):c.4090-10_4090-8del

Gene: NBAS (NBAS subunit of NRZ tethering complex; minus strand). Cytogenetic location: 2p24.3.
Variant type: Deletion.
Coding change: c.4090-10_4090-8del on transcript NM_015909.4 (MANE Select); 10 bases into the intron before coding-DNA position 4090 through 8 bases into the intron before coding-DNA position 4090, 3 bases deleted (CTT; older notation c.4090-10_4090-8delCTT).
Molecular consequence: intron variant.
Genome position (GRCh38, 1-based): chr2:15,352,089-15,352,091, AAG deleted on the plus strand (CTT on the coding strand, the reverse complement: NBAS is on the minus strand); deleting any 3 consecutive bases within chr2:15,352,089-15,352,093 gives the same sequence; the c. name uses the placement nearest the transcript's 3' end. VCF-style (leftmost placement, unchanged base first): chr2-15352088-CAAG-C. GRCh37 (hg19) VCF-style: chr2-15492212-CAAG-C.
Other names: c.4090-10_4090-8delCTT (NM_015909.3).
Identifiers: ClinVar variation 1164382 (VCV001164382.17), dbSNP rs576912470, ClinGen allele CA1535787.